The following is an entry in ClinVar:

ClinVar aggregate classification (germline): Uncertain significance (1 of 4 stars; one submission).

Allele frequency attached by ClinVar (database versions not stated): gnomAD exomes 0.00001; gnomAD 0.00003; TOPMed 0.00004.
gnomAD v4.1: 13 of 1,614,108 alleles (0.00081%); highest among the groups gnomAD compares: African/African-American, 0.0013%; no homozygotes.

Submission:

Labcorp Genetics (formerly Invitae), Labcorp
Classification: Uncertain significance. Last evaluated: 2025-02-20. Review status: criteria provided, single submitter. Criteria: Invitae Variant Classification Sherloc (09022015). Collection method: clinical testing. Allele origin: germline.
Comment: This sequence change replaces threonine, which is neutral and polar, with serine, which is neutral and polar, at codon 1690 of the SRCAP protein (p.Thr1690Ser). This variant is present in population databases (no rsID available, gnomAD 0.002%). This variant has not been reported in the literature in individuals affected with SRCAP-related conditions. ClinVar contains an entry for this variant (Variation ID: 2048889). Invitae Evidence Modeling of protein sequence and biophysical properties (such as structural, functional, and spatial information, amino acid conservation, physicochemical variation, residue mobility, and thermodynamic stability) indicates that this missense variant is not expected to disrupt SRCAP protein function with a negative predictive value of 80%. In summary, the available evidence is currently insufficient to determine the role of this variant in disease. Therefore, it has been classified as a Variant of Uncertain Significance.

NM_006662.3(SRCAP):c.5069C>G (p.Thr1690Ser)

Gene: SRCAP (Snf2 related CREBBP activator protein; plus strand). Cytogenetic location: 16p11.2.
Variant type: single nucleotide variant.
Coding change: c.5069C>G on transcript NM_006662.3 (MANE Select); coding-DNA position 5069, C replaced by G.
Protein change: p.Thr1690Ser; replaces threonine 1690 with serine.
Molecular consequence: missense variant.
Genome position (GRCh38, 1-based): chr16:30,724,493, C>G. VCF-style: chr16-30724493-C-G. GRCh37 (hg19) VCF-style: chr16-30735814-C-G.
Other names: short protein forms T1690S.
Identifiers: ClinVar variation 2048889 (VCV002048889.4), dbSNP rs895783107, ClinGen allele CA280513605.